The following is an entry in ClinVar:

ClinVar aggregate classification (germline): Uncertain significance (1 of 4 stars; one submission).

gnomAD v4.1: 1 of 1,614,244 alleles (0.000062%); highest among the groups gnomAD compares: South Asian, 0.0011%; no homozygotes.

Submission:

CeGaT Center for Human Genetics Tuebingen
Classification: Uncertain significance. Last evaluated: 2025-01-01. Review status: criteria provided, single submitter. Criteria: CeGaT Center For Human Genetics Tuebingen Variant Classification Criteria Version 2. Collection method: clinical testing. Allele origin: germline. Affected: yes. Observed: 1 variant allele.
Comment: RNF43: PM2, BP4

NM_017763.6(RNF43):c.2212C>T (p.His738Tyr)

Gene: RNF43 (ring finger protein 43; minus strand). Cytogenetic location: 17q22.
Variant type: single nucleotide variant.
Coding change: c.2212C>T on transcript NM_017763.6 (MANE Select); coding-DNA position 2212, C replaced by T.
Protein change: p.His738Tyr; replaces histidine 738 with tyrosine.
Molecular consequence: missense variant.
Genome position (GRCh38, 1-based): chr17:58,357,564, G>A on the plus strand (C>T on the coding strand, the complement: RNF43 is on the minus strand). VCF-style: chr17-58357564-G-A. GRCh37 (hg19) VCF-style: chr17-56434925-G-A.
Other names: c.2212C>T, p.His738Tyr (NM_001305544.3); c.1831C>T, p.His611Tyr (NM_001305545.2); short protein forms H611Y, H738Y.
Identifiers: ClinVar variation 3772299 (VCV003772299.13).
Genomic context (GRCh38, chr17:58,357,564, plus strand): 5'-GGCATGGCCTGCCCTCTGCGGTGTCAGAACTCCATTCAGAAGGCCCCTCCCCAGGTGGAT[G>A]TGGTTCCAGGGGCTGGCGAGGAGTCAGGCACAACCACACTGGCTGTGAATTTGAGTAACA-3'
Protein context (NP_060233.3, residues 728-748): CLTPRQPLEP[His738Tyr]PPGEGPSEWS